The following is an entry in ClinVar:

NM_001347886.2(DNAH3):c.1120A>C (p.Lys374Gln)

Gene: DNAH3 (dynein axonemal heavy chain 3; minus strand). Cytogenetic location: 16p12.3.
Variant type: single nucleotide variant.
Coding change: c.1120A>C on transcript NM_001347886.2 (MANE Select); coding-DNA position 1120, A replaced by C.
Protein change: p.Lys374Gln; replaces lysine 374 with glutamine.
Molecular consequence: missense variant.
Genome position (GRCh38, 1-based): chr16:21,127,688, T>G on the plus strand (A>C on the coding strand, the complement: DNAH3 is on the minus strand). VCF-style: chr16-21127688-T-G. GRCh37 (hg19) VCF-style: chr16-21139009-T-G.
Other names: c.1120A>C, p.Lys374Gln (NM_001394581.1); c.1207A>C, p.Lys403Gln (NM_017539.2); short protein forms K374Q, K403Q.
Identifiers: ClinVar variation 4013076 (VCV004013076.3).

ClinVar aggregate classification (germline): Uncertain significance. Review status: criteria provided, multiple submitters, no conflicts (2 of 4 stars). 2 submissions from 2 submitters: Uncertain significance (2). Last evaluated 2026-02-25.

gnomAD v4.1: 2 of 1,613,998 alleles (0.00012%); highest among the groups gnomAD compares: African/African-American, 0.0027%; no homozygotes.

Submissions (2):

Dasa
Classification: Uncertain significance. Last evaluated: 2026-02-25. Review status: criteria provided, single submitter. Criteria: DASA Assertion Criteria. Collection method: clinical testing. Allele origin: germline.
Comment: NM_001347886.2(DNAH3):c.1120A>C (p.Lys374Gln) is a missense variant that results in the substitution of lysine with glutamine. This variant is rare in population databases. Computational prediction algorithms are consistent with a deleterious effect. The currently available literature and clinical evidence are not sufficient to establish a definitive association between this variant and the reported condition. Therefore, this variant is classified as a variant of uncertain significance.

Ambry Genetics
Classification: Uncertain significance. Last evaluated: 2025-04-15. Review status: criteria provided, single submitter. Criteria: Ambry Variant Classification Scheme 2023. Collection method: clinical testing. Allele origin: germline.